The following is an entry in ClinVar:

ClinVar aggregate classification (germline): Uncertain significance. Review status: reviewed by expert panel (3 of 4 stars). 4 submissions from 4 submitters: Uncertain significance (1). 3 of the submissions do not count toward it. Last evaluated 2023-06-27.

Conditions:
Very long chain acyl-CoA dehydrogenase deficiency (ACADVLD). Also called: VLCAD Deficiency; Very Long-Chain Acyl-Coenzyme A Dehydrogenase Deficiency. Identifiers: Orphanet 26793, MedGen C3887523, MONDO:0008723, OMIM 201475.

Submissions (4):

ClinGen ACADVL Variant Curation Expert Panel, ClinGen
Classification: Uncertain significance for Very long chain acyl-CoA dehydrogenase deficiency. Last evaluated: 2023-06-27. Review status: reviewed by expert panel. Criteria: clingen acadvl acmg specifications v1. Collection method: curation. Allele origin: germline. Inheritance: Autosomal recessive inheritance.
Comment: The c.1882del (p.Gln628LysfsTer52) variant in ACADVL is a frameshift in the last exon of a gene in which loss-of-function is an established disease mechanism (PVS1_moderate: PMIDs 9973285, 11590124). While this may not lead to nonsense-mediated decay, this variant is predicted to replace the final 28 conserved amino acids in ACADVL with functional significance (PMID: 18227065). This variant is also absent from gnomAD v2.1.1 (PM2_Supporting). The ACADVL Variant Curation Expert Panel VCEP classified the variant as VUS based on PVS1_moderate+PM2_supporting.

Labcorp Genetics (formerly Invitae), Labcorp
Classification: Pathogenic for Very long chain acyl-CoA dehydrogenase deficiency. Last evaluated: 2024-08-01. Review status: criteria provided, single submitter. Criteria: Invitae Variant Classification Sherloc (09022015). Collection method: clinical testing. Allele origin: germline. Not counted in ClinVar's aggregate classification.
Comment: This sequence change results in a frameshift in the ACADVL gene (p.Gln628Lysfs*52). While this is not anticipated to result in nonsense mediated decay, it is expected to disrupt the last 28 amino acid(s) of the ACADVL protein and extend the protein by 23 additional amino acid residues. This variant is not present in population databases (gnomAD no frequency). This frameshift has been observed in individual(s) with clinical features of very long-chain acyl-CoA dehydrogenase deficiency (Invitae). ClinVar contains an entry for this variant (Variation ID: 811520). This variant results in an extension of the ACADVL protein. Other variant(s) that result in a similarly extended protein product (p.Ala640Trpfs*39) have been observed in individuals with ACADVL-related disease (PMID: 17999356). This suggests that these extensions may be clinically significant. For these reasons, this variant has been classified as Pathogenic.

Women's Health and Genetics/Laboratory Corporation of America, LabCorp
Classification: Likely pathogenic for Very long chain acyl-CoA dehydrogenase deficiency. Last evaluated: 2019-06-02. Review status: criteria provided, single submitter. Criteria: LabCorp Variant Classification Summary - May 2015. Collection method: clinical testing. Allele origin: germline. Not counted in ClinVar's aggregate classification.
Comment: Variant summary: ACADVL c.1882delC (p.Gln628LysfsX52) causes a frameshift which results in an extension of the protein. The variant was absent in 251310 control chromosomes. To our knowledge, no occurrence of c.1882delC in individuals affected with Very Long Chain Acyl-CoA Dehydrogenase Deficiency and no experimental evidence demonstrating its impact on protein function have been reported. No clinical diagnostic laboratories have submitted clinical-significance assessments for this variant to ClinVar after 2014. However, other variants causing an extension of the protein have been reported as pathogenic in ClinVar and HGMD. Based on the evidence outlined above, the variant was classified as likely pathogenic.

ARUP Laboratories, Molecular Genetics and Genomics, ARUP Laboratories
Classification: Likely pathogenic for Very long chain acyl-CoA dehydrogenase deficiency. Last evaluated: 2019-03-21. Review status: criteria provided, single submitter. Criteria: ARUP Molecular Germline Variant Investigation Process. Collection method: clinical testing. Allele origin: germline. Not counted in ClinVar's aggregate classification.
Comment: The ACADVL c.1882delC; p.Gln628fs variant (rs371091547), to our knowledge, is not reported in the medical literature or gene-specific databases. This variant is also absent from general population databases (Exome Variant Server, Genome Aggregation Database), indicating it is not a common polymorphism. This variant results in a frameshift in the last exon of the ACADVL gene. While this may not lead to nonsense-mediated decay, it is expected to create a protein that would include a sequence of 52 amino acid residues in place of the final 28 canonical amino acids. Supporting the notion that this variant is deleterious, frameshift variants downstream of the p.Gln628fs variant have been reported in individuals with VLCAD deficiency and are considered pathogenic (Gobin-Limballe 2010, Miller 2015). Based on available information, the p.Gln628fs variant is considered to be likely pathogenic. References: Gobin-Limballe S et al. Compared effects of missense mutations in Very-Long-Chain Acyl-CoA Dehydrogenase deficiency: Combined analysis by structural, functional and pharmacological approaches. Biochim Biophys Acta. 2010 May;1802(5):478-84. Miller MJ et al. Recurrent ACADVL molecular findings in individuals with a positive newborn screen for very long chain acyl-coA dehydrogenase (VLCAD) deficiency in the United States. Mol Genet Metab. 2015 Nov;116(3):139-45.

Literature cited by the submitters: PubMed 17999356 (cited by Labcorp Genetics (formerly Invitae), Labcorp).

NM_000018.4(ACADVL):c.1882del (p.Gln628fs)

Gene: ACADVL (acyl-CoA dehydrogenase very long chain; plus strand). Cytogenetic location: 17p13.1.
Variant type: Deletion.
Coding change: c.1882del on transcript NM_000018.4 (MANE Select); coding-DNA position 1882, one base deleted (C; older notation c.1882delC).
Protein change: p.Gln628fs; shifts the reading frame from glutamine 628.
Molecular consequence: frameshift variant.
Genome position (GRCh38, 1-based): chr17:7,225,011, C deleted. VCF-style (leftmost placement, unchanged base first): chr17-7225010-GC-G. GRCh37 (hg19) VCF-style: chr17-7128329-GC-G.
Other names: NM_000018.4(ACADVL):c.1882del; p.Gln628fs; c.1816del, p.Gln606fs (NM_001033859.3); c.1951del, p.Gln651fs (NM_001270447.2); c.1654del, p.Gln552fs (NM_001270448.2); short protein forms Q552fs, Q606fs, Q628fs, Q651fs.
Identifiers: ClinVar variation 811520 (VCV000811520.17), dbSNP rs1597541142, ClinGen allele CA497694556.